The following is an entry in ClinVar:

NM_001126108.2(SLC12A3):c.223C>T (p.Gln75Ter)

Gene: SLC12A3 (solute carrier family 12 member 3; plus strand). Cytogenetic location: 16q13.
Variant type: single nucleotide variant.
Coding change: c.223C>T on transcript NM_001126108.2 (MANE Select); coding-DNA position 223, C replaced by T.
Protein change: p.Gln75Ter; replaces glutamine 75 with a stop codon.
Molecular consequence: nonsense.
Genome position (GRCh38, 1-based): chr16:56,865,458, C>T. VCF-style: chr16-56865458-C-T. GRCh37 (hg19) VCF-style: chr16-56899370-C-T.
Other names: c.223C>T, p.Gln75Ter (NM_000339.3, NM_001126107.2, NM_001410896.1); short protein forms Q75*.
Identifiers: ClinVar variation 5005601 (VCV005005601.2).

ClinVar aggregate classification (germline): Likely pathogenic (1 of 4 stars; one submission).

Conditions:
Familial hypokalemia-hypomagnesemia (GTLMNS). Also called: POTASSIUM AND MAGNESIUM DEPLETION; HYPOMAGNESEMIA-HYPOKALEMIA, PRIMARY RENOTUBULAR, WITH HYPOCALCIURIA; gitelman syndrome. Identifiers: Orphanet 358, MedGen C0268450, MONDO:0009904, OMIM 263800.

Submission:

Juno Genomics, Hangzhou Juno Genomics, Inc
Classification: Likely pathogenic for Familial hypokalemia-hypomagnesemia. Review status: criteria provided, single submitter. Criteria: ACMG Guidelines, 2015. Collection method: clinical testing. Allele origin: germline.
Comment: Null variant in a gene where loss of function (LOF) is a known mechanism of disease.;Absent from controls (or at extremely low frequency if recessive) in Genome Aggregation Database.